The following is an entry in ClinVar:

NM_012208.4(HARS2):c.587T>C (p.Met196Thr)

Gene: HARS2 (histidyl-tRNA synthetase 2, mitochondrial; plus strand). Cytogenetic location: 5q31.3.
Variant type: single nucleotide variant.
Coding change: c.587T>C on transcript NM_012208.4 (MANE Select); coding-DNA position 587, T replaced by C.
Protein change: p.Met196Thr; replaces methionine 196 with threonine.
Molecular consequence: missense variant.
Genome position (GRCh38, 1-based): chr5:140,695,799, T>C. VCF-style: chr5-140695799-T-C. GRCh37 (hg19) VCF-style: chr5-140075384-T-C.
Other names: c.512T>C, p.Met171Thr (NM_001278731.2); c.155T>C, p.Met52Thr (NM_001278732.2); c.605T>C, p.Met202Thr (NM_001363535.2); c.377T>C, p.Met126Thr (NM_001363536.2); short protein forms M126T, M171T, M196T, M202T, M52T.
Identifiers: ClinVar variation 1683906 (VCV001683906.2), dbSNP rs773605161, ClinGen allele CA3444471.
Genomic context (GRCh38, chr5:140,695,799, plus strand): 5'-ATTTTGACATTGCTGGTCAGTTTGACCCTATGATCCCCGATGCAGAGTGTTTGAAGATCA[T>C]GTGTGAAATCCTAAGTGGATTGCAGTTGGGAGACTTTCTCATTAAGGTGAGGCCAGGGCT-3'
Protein context (NP_036340.1, residues 186-206): MIPDAECLKI[Met196Thr]CEILSGLQLG

ClinVar aggregate classification (germline): Uncertain significance (1 of 4 stars; one submission).

Allele frequency attached by ClinVar (database versions not stated): gnomAD exomes 0.00001; TOPMed 0.00001; ExAC 0.00002.

Submission:

GeneDx
Classification: Uncertain significance. Last evaluated: 2022-07-11. Review status: criteria provided, single submitter. Criteria: GeneDx Variant Classification Process June 2021. Collection method: clinical testing. Allele origin: germline. Affected: yes.
Comment: Not observed at significant frequency in large population cohorts (gnomAD); In silico analysis supports that this missense variant has a deleterious effect on protein structure/function; Has not been previously published as pathogenic or benign to our knowledge